The following is an entry in ClinVar:

NM_001458.5(FLNC):c.7931G>C (p.Gly2644Ala)

Genes: FLNC (filamin C; plus strand), FLNC-AS1 (FLNC antisense RNA 1; minus strand). Cytogenetic location: 7q32.1.
Variant type: single nucleotide variant.
Coding change: c.7931G>C on transcript NM_001458.5 (MANE Select); coding-DNA position 7931, G replaced by C.
Protein change: p.Gly2644Ala; replaces glycine 2644 with alanine.
Molecular consequence: missense variant.
Genome position (GRCh38, 1-based): chr7:128,858,158, G>C. VCF-style: chr7-128858158-G-C. GRCh37 (hg19) VCF-style: chr7-128498212-G-C.
Other names: c.7832G>C, p.Gly2611Ala (NM_001127487.2); short protein forms G2611A, G2644A.
Identifiers: ClinVar variation 1062847 (VCV001062847.9), dbSNP rs2128940603, ClinGen allele CA369220523.
Genomic context (GRCh38, chr7:128,858,158, plus strand): 5'-GCTACAGCTCCATCCCCAAGTTCTCCTCAGATGCCAGCAAGGTGGTGACTCGGGGCCCTG[G>C]GCTGTCCCAGGCCTTCGTGGGCCAGAAGAACTCCTTCACCGTGGACTGCAGCAAAGCAGG-3'
Protein context (NP_001449.3, residues 2634-2654): DASKVVTRGP[Gly2644Ala]LSQAFVGQKN

ClinVar aggregate classification (germline): Uncertain significance (1 of 4 stars; one submission).

Conditions:
Myofibrillar myopathy 5. Also called: Filaminopathy (type); FILAMINOPATHY, AUTOSOMAL DOMINANT. Identifiers: Orphanet 171445, MedGen C1836050, MONDO:0012289, OMIM 609524.
Distal myopathy with posterior leg and anterior hand involvement. Also called: WILLIAMS DISTAL MYOPATHY. Identifiers: Orphanet 63273, MedGen C3279722, MONDO:0013550, OMIM 614065.
Hypertrophic cardiomyopathy 26. Also called: Cardiomyopathy, familial hypertrophic, 26. Identifiers: Orphanet 75249, MedGen C4310749, MONDO:0014883, OMIM 617047.

Submission:

Labcorp Genetics (formerly Invitae), Labcorp
Classification: Uncertain significance for Distal myopathy with posterior leg and anterior hand involvement; Myofibrillar myopathy 5; Hypertrophic cardiomyopathy 26. Last evaluated: 2022-02-04. Review status: criteria provided, single submitter. Criteria: Invitae Variant Classification Sherloc (09022015). Collection method: clinical testing. Allele origin: germline.
Comment: Algorithms developed to predict the effect of missense changes on protein structure and function (SIFT, PolyPhen-2, Align-GVGD) all suggest that this variant is likely to be disruptive. In summary, the available evidence is currently insufficient to determine the role of this variant in disease. Therefore, it has been classified as a Variant of Uncertain Significance. ClinVar contains an entry for this variant (Variation ID: 1062847). This variant has not been reported in the literature in individuals affected with FLNC-related conditions. This variant is not present in population databases (gnomAD no frequency). This sequence change replaces glycine, which is neutral and non-polar, with alanine, which is neutral and non-polar, at codon 2644 of the FLNC protein (p.Gly2644Ala).